The following is an entry in ClinVar:

NM_000548.5(TSC2):c.1056G>C (p.Glu352Asp)

Gene: TSC2 (TSC complex subunit 2; plus strand). Cytogenetic location: 16p13.3.
Variant type: single nucleotide variant.
Coding change: c.1056G>C on transcript NM_000548.5 (MANE Select); coding-DNA position 1056, G replaced by C.
Protein change: p.Glu352Asp; replaces glutamic acid 352 with aspartic acid.
Molecular consequence: missense variant. On other transcripts: 5 prime UTR variant (10), non-coding transcript variant (5).
Genome position (GRCh38, 1-based): chr16:2,060,750, G>C. VCF-style: chr16-2060750-G-C. GRCh37 (hg19) VCF-style: chr16-2110751-G-C.
Other names: c.1056G>C, p.Glu352Asp (NM_001077183.3, NM_001114382.3, NM_001363528.2 and 6 more transcripts); c.945G>C, p.Glu315Asp (NM_001318827.2, NM_001406670.1, NM_001406678.1); c.909G>C, p.Glu303Asp (NM_001318829.2, NM_001406675.1, NM_001406676.1 and 1 more transcripts); c.456G>C, p.Glu152Asp (NM_001318831.2, NM_001406680.1, NM_001406682.1 and 6 more transcripts); c.1089G>C, p.Glu363Asp (NM_001318832.2); c.1146G>C, p.Glu382Asp (NM_001406667.1, NM_001406668.1); c.1044G>C, p.Glu348Asp (NM_001406671.1, NM_001406673.1); c.999G>C, p.Glu333Asp (NM_001406677.1); and 4 more; short protein forms E198D, E303D, E348D, E352D, E152D, E315D, E333D, E363D.
Identifiers: ClinVar variation 3677812 (VCV003677812.2).

ClinVar aggregate classification (germline): Uncertain significance (1 of 4 stars; one submission).

Conditions:
Tuberous sclerosis 2 (TSC2). Identifiers: Orphanet 805, MedGen C1860707, MONDO:0013199, OMIM 613254.

Submission:

Labcorp Genetics (formerly Invitae), Labcorp
Classification: Uncertain significance for Tuberous sclerosis 2. Last evaluated: 2024-07-16. Review status: criteria provided, single submitter. Criteria: Invitae Variant Classification Sherloc (09022015). Collection method: clinical testing. Allele origin: germline.
Comment: This sequence change replaces glutamic acid, which is acidic and polar, with aspartic acid, which is acidic and polar, at codon 352 of the TSC2 protein (p.Glu352Asp). This variant is not present in population databases (gnomAD no frequency). This variant has not been reported in the literature in individuals affected with TSC2-related conditions. Advanced modeling of protein sequence and biophysical properties (such as structural, functional, and spatial information, amino acid conservation, physicochemical variation, residue mobility, and thermodynamic stability) performed at Invitae indicates that this missense variant is not expected to disrupt TSC2 protein function with a negative predictive value of 95%. In summary, the available evidence is currently insufficient to determine the role of this variant in disease. Therefore, it has been classified as a Variant of Uncertain Significance.